The following is an entry in ClinVar:

ClinVar aggregate classification (germline): Pathogenic (1 of 4 stars; one submission).

Submission:

Labcorp Genetics (formerly Invitae), Labcorp
Classification: Pathogenic. Last evaluated: 2022-05-07. Review status: criteria provided, single submitter. Criteria: Invitae Variant Classification Sherloc (09022015). Collection method: clinical testing. Allele origin: germline.
Comment: This variant is a gross deletion of the genomic region encompassing exon(s) 23-31 of the EYS gene. This deletion is out-of-frame, and is expected to create a premature termination codon and result in an absent or disrupted protein product. Loss-of-function variants in EYS are known to be pathogenic (PMID: 18836446, 20333770). This variant has not been reported in the literature in individuals affected with EYS-related conditions. For these reasons, this variant has been classified as Pathogenic.

Literature cited by the submitters: PubMed 18836446; PubMed 20333770.

NC_000006.11:g.(?_64940475)_(65336148_?)del

Gene: EYS (eyes shut homolog; minus strand). Cytogenetic location: 6q12.
Variant type: Deletion.
Identifiers: ClinVar variation 2423871 (VCV002423871.3).